The following is an entry in ClinVar:

ClinVar aggregate classification (germline): Likely benign (1 of 4 stars; one submission).

Submission:

CeGaT Center for Human Genetics Tuebingen
Classification: Likely benign. Last evaluated: 2025-09-01. Review status: criteria provided, single submitter. Criteria: CeGaT Center For Human Genetics Tuebingen Variant Classification Criteria Version 2. Collection method: clinical testing. Allele origin: germline. Affected: yes. Observed: 1 variant allele.
Comment: GNAS: BP4, BP7

NM_080425.4(GNAS):c.2069-5081C>T

Gene: GNAS (GNAS complex locus; plus strand). Cytogenetic location: 20q13.32.
Variant type: single nucleotide variant.
Coding change: c.2069-5081C>T on transcript NM_080425.4 (MANE Plus Clinical); 5081 bases into the intron before coding-DNA position 2069, C replaced by T.
Molecular consequence: intron variant.
Genome position (GRCh38, 1-based): chr20:58,890,531, C>T. VCF-style: chr20-58890531-C-T. GRCh37 (hg19) VCF-style: chr20-57465586-C-T.
Other names: c.*1-5081C>T (NM_001077490.3); c.2069-5081C>T (NM_001410913.1); c.*159-5081C>T (NM_001309883.1); c.-39+1178C>T (NM_001438273.1, NM_001309840.2); c.-39+1199C>T (NM_001439291.1, NM_001438274.1); c.*43-5081C>T (NM_016592.5); c.44-5081C>T (NM_001410912.1); c.-38-5081C>T (NM_001309861.2).
Identifiers: ClinVar variation 4281224 (VCV004281224.7).